The following is an entry in ClinVar:

ClinVar aggregate classification (germline): Pathogenic (1 of 4 stars; one submission).

Submission:

Baylor Genetics
Classification: Pathogenic. Last evaluated: 2018-11-01. Review status: criteria provided, single submitter. Criteria: ACMG CNV Guidelines, 2011. Collection method: clinical testing. Allele origin: germline. Affected: yes. Observed: 1 variant allele.
Comment: Deletions involving this region have been previously reported in patients with developmental delay, microcephaly, short stature, hypotonia, dysmorphic features and various limb defects [PMID: 21068127]

GRCh37/hg19 2q31.1-31.2(chr2:176794846-178494259)

Genes: AGPS (alkylglycerone phosphate synthase; plus strand), EVX2 (even-skipped homeobox 2; minus strand), HNRNPA3 (heterogeneous nuclear ribonucleoprotein A3; plus strand), HOXD1 (homeobox D1; plus strand), HOXD10 (homeobox D10; plus strand) and 14 more. Cytogenetic location: 2q31.1-31.2.
Variant type: copy number loss.
Identifiers: ClinVar variation 625773 (VCV000625773.1).